The following is an entry in ClinVar:

NM_001267550.2(TTN):c.81718del (p.Arg27240fs)

Genes: TTN (titin; minus strand), TTN-AS1 (TTN antisense RNA 1; plus strand). Cytogenetic location: 2q31.2.
Variant type: Deletion.
Coding change: c.81718del on transcript NM_001267550.2 (MANE Select); coding-DNA position 81718, one base deleted (A; older notation c.81718delA).
Protein change: p.Arg27240fs; shifts the reading frame from arginine 27240.
Molecular consequence: frameshift variant.
Genome position (GRCh38, 1-based): chr2:178,564,414, T deleted on the plus strand (A on the coding strand, the reverse complement: TTN is on the minus strand); the first of 3 consecutive T bases (chr2:178,564,414-178,564,416); deleting any one gives the same sequence. VCF-style (leftmost placement, unchanged base first): chr2-178564413-CT-C. GRCh37 (hg19) VCF-style: chr2-179429140-CT-C.
Other names: c.76795del, p.Arg25599fs (NM_001256850.1); c.54523del, p.Arg18175fs (NM_003319.4); c.74014del, p.Arg24672fs (NM_133378.4); c.54898del, p.Arg18300fs (NM_133432.3); c.55099del, p.Arg18367fs (NM_133437.4); short protein forms R18300fs, R18367fs, R25599fs, R18175fs, R24672fs.
Identifiers: ClinVar variation 664286 (VCV000664286.9), dbSNP rs1575658959, ClinGen allele CA915942229.
Genomic context (GRCh38, chr2:178,564,413, plus strand): 5'-CTATCAGATGGTTCACTAAAGTTTCCAGCTGCATTTCTTGCAATTACTCTAAATTCATAT[CT>C]TTGGTCTTCTACAAGTCCACTCACTGTAAATTCAGTTTCTAATACGTTGGTAAAGCTGGC-3'

ClinVar aggregate classification (germline): Likely pathogenic (1 of 4 stars; one submission).

Conditions:
Dilated cardiomyopathy 1G (CMD1G). Identifiers: Orphanet 154, MedGen C1858763, MONDO:0011400, OMIM 604145.
Autosomal recessive limb-girdle muscular dystrophy type 2J (LGMDR10). Also called: MUSCULAR DYSTROPHY, LIMB-GIRDLE, AUTOSOMAL RECESSIVE 10; Limb-girdle muscular dystrophy, type 2J. Identifiers: Orphanet 140922, MedGen C1837342, MONDO:0012127, OMIM 608807.

Submission:

Labcorp Genetics (formerly Invitae), Labcorp
Classification: Likely pathogenic for Dilated cardiomyopathy 1G; Autosomal recessive limb-girdle muscular dystrophy type 2J. Last evaluated: 2018-12-24. Review status: criteria provided, single submitter. Criteria: Invitae Variant Classification Sherloc (09022015). Collection method: clinical testing. Allele origin: germline.
Comment: In summary, the currently available evidence indicates that the variant is pathogenic, but additional data are needed to prove that conclusively. Therefore, this variant has been classified as Likely Pathogenic. This variant is located in the A band of TTN (PMID: 25589632). Truncating variants in this region are significantly overrepresented in patients affected with dilated cardiomyopathy (PMID: 25589632). Truncating variants in this region have also been reported in individuals affected with autosomal recessive centronuclear myopathy (PMID: 23975875). This variant has not been reported in the literature in individuals with TTN-related disease. This variant is not present in population databases (ExAC no frequency). This sequence change results in a premature translational stop signal in the TTN gene (p.Arg27240Aspfs*6). While this is not anticipated to result in nonsense mediated decay, it is expected to create a truncated TTN protein.

Literature cited by the submitters: PubMed 25589632; PubMed 23975875.